The following is an entry in ClinVar:

ClinVar aggregate classification (germline): Benign/Likely benign. Review status: criteria provided, multiple submitters, no conflicts (2 of 4 stars). 4 submissions from 4 submitters: Benign (3); Likely benign (1). Last evaluated 2024-02-05.

Conditions:
Rolandic epilepsy, impaired intellectual development, and speech dyspraxia, X-linked. Also called: Rolandic epilepsy, intellectual disability, and speech dyspraxia, X-linked; Rolandic epilepsy, impaired intellectual development, and speech dyspraxia. Identifiers: MedGen C1845070, MONDO:0010388, OMIM 300643.

Allele frequency attached by ClinVar (database versions not stated): ESP Exome Variant Server 0.00028; gnomAD exomes 0.00034 and 0.00125; gnomAD 0.00050 and 0.00069; TOPMed 0.00102; ExAC 0.00116; 1000 Genomes Project 30x 0.00187; 1000 Genomes Project 0.00238.
gnomAD v4.1: 576 of 1,209,709 alleles (0.048%); highest among the groups gnomAD compares: East Asian, 0.99%; 8 homozygotes.

Submissions (4):

Labcorp Genetics (formerly Invitae), Labcorp
Classification: Benign for Rolandic epilepsy, impaired intellectual development, and speech dyspraxia, X-linked. Last evaluated: 2024-02-05. Review status: criteria provided, single submitter. Criteria: Invitae Variant Classification Sherloc (09022015). Collection method: clinical testing. Allele origin: germline.

Athena Diagnostics
Classification: Benign. Last evaluated: 2018-09-18. Review status: criteria provided, single submitter. Criteria: Athena Diagnostics Criteria. Collection method: clinical testing. Allele origin: germline.

Genetic Services Laboratory, University of Chicago
Classification: Likely benign. Last evaluated: 2017-01-22. Review status: criteria provided, single submitter. Criteria: ACMG Guidelines, 2015. Collection method: clinical testing. Allele origin: germline. Affected: no.

GeneDx
Classification: Benign. Last evaluated: 2014-03-06. Review status: criteria provided, single submitter. Criteria: GeneDx Variant Classification (06012015). Collection method: clinical testing. Allele origin: germline. Affected: yes.
Comment: This variant is considered likely benign or benign based on one or more of the following criteria: it is a conservative change, it occurs at a poorly conserved position in the protein, it is predicted to be benign by multiple in silico algorithms, and/or has population frequency not consistent with disease.

NM_014467.3(SRPX2):c.1293C>T (p.Tyr431=)

Gene: SRPX2 (sushi repeat containing protein X-linked 2; plus strand). Cytogenetic location: Xq22.1.
Variant type: single nucleotide variant.
Coding change: c.1293C>T on transcript NM_014467.3 (MANE Select); coding-DNA position 1293, C replaced by T.
Protein change: p.Tyr431=; no amino-acid change (tyrosine 431 retained).
Molecular consequence: synonymous variant.
Genome position (GRCh38, 1-based): chrX:100,670,882, C>T. VCF-style: chrX-100670882-C-T. GRCh37 (hg19) VCF-style: chrX-99925879-C-T.
Other names: p.Y431Y:TAC>TAT.
Identifiers: ClinVar variation 139326 (VCV000139326.15), dbSNP rs138091242, ClinGen allele CA293768.